The following is an entry in ClinVar:

NM_001330360.2(POLA1):c.4289C>G (p.Pro1430Arg)

Gene: POLA1 (DNA polymerase alpha 1, catalytic subunit; plus strand). Cytogenetic location: Xp21.3.
Variant type: single nucleotide variant.
Coding change: c.4289C>G on transcript NM_001330360.2 (MANE Select); coding-DNA position 4289, C replaced by G.
Protein change: p.Pro1430Arg; replaces proline 1430 with arginine.
Molecular consequence: missense variant. On other transcripts: non-coding transcript variant (2).
Genome position (GRCh38, 1-based): chrX:24,995,832, C>G. VCF-style: chrX-24995832-C-G. GRCh37 (hg19) VCF-style: chrX-25013949-C-G.
Other names: c.4214C>G, p.Pro1405Arg (NM_001378303.1); c.4271C>G, p.Pro1424Arg (NM_016937.4); short protein forms P1424R, P1405R, P1430R.
Identifiers: ClinVar variation 1436158 (VCV001436158.6), dbSNP rs1163841128, ClinGen allele CA412609392.

ClinVar aggregate classification (germline): Uncertain significance (1 of 4 stars; one submission).

gnomAD v4.1: 4 of 1,207,024 alleles (0.00033%); highest among the groups gnomAD compares: Non-Finnish European, 0.00045%; no homozygotes.

Submission:

Labcorp Genetics (formerly Invitae), Labcorp
Classification: Uncertain significance. Last evaluated: 2025-02-23. Review status: criteria provided, single submitter. Criteria: Invitae Variant Classification Sherloc (09022015). Collection method: clinical testing. Allele origin: germline.
Comment: This sequence change replaces proline, which is neutral and non-polar, with arginine, which is basic and polar, at codon 1424 of the POLA1 protein (p.Pro1424Arg). This variant is not present in population databases (gnomAD no frequency). This variant has not been reported in the literature in individuals affected with POLA1-related conditions. ClinVar contains an entry for this variant (Variation ID: 1436158). Invitae Evidence Modeling of protein sequence and biophysical properties (such as structural, functional, and spatial information, amino acid conservation, physicochemical variation, residue mobility, and thermodynamic stability) indicates that this missense variant is not expected to disrupt POLA1 protein function with a negative predictive value of 80%. In summary, the available evidence is currently insufficient to determine the role of this variant in disease. Therefore, it has been classified as a Variant of Uncertain Significance.